The following is an entry in ClinVar:

ClinVar aggregate classification (germline): Pathogenic/Likely pathogenic. Review status: criteria provided, multiple submitters, no conflicts (2 of 4 stars). 2 submissions from 2 submitters: Pathogenic (1); Likely pathogenic (1). Last evaluated 2026-01-09.

Conditions:
Meckel-Gruber syndrome. Also called: DYSENCEPHALIA SPLANCHNOCYSTICA; GRUBER SYNDROME; Dysencephalia splachnocystica. Identifiers: Orphanet 564, MedGen C0265215, MONDO:0018921.
Joubert syndrome. Also called: CEREBELLOPARENCHYMAL DISORDER IV; JOUBERT-BOLTSHAUSER SYNDROME; Familial aplasia of the vermis. Identifiers: Orphanet 475, MedGen C5979921, MONDO:0018772.

Submissions (2):

Labcorp Genetics (formerly Invitae), Labcorp
Classification: Likely pathogenic for Joubert syndrome; Meckel-Gruber syndrome. Last evaluated: 2026-01-09. Review status: criteria provided, single submitter. Criteria: Invitae Variant Classification Sherloc (09022015). Collection method: clinical testing. Allele origin: germline.
Comment: This sequence change affects a donor splice site in intron 1 of the TMEM67 gene. It is expected to disrupt RNA splicing. Variants that disrupt the donor or acceptor splice site typically lead to a loss of protein function (PMID: 16199547), and loss-of-function variants in TMEM67 are known to be pathogenic (PMID: 20232449, 23559409). This variant is not present in population databases (gnomAD no frequency). Disruption of this splice site has been observed in individual(s) with Joubert syndrome (PMID: 36703223). ClinVar contains an entry for this variant (Variation ID: 1810229). Algorithms developed to predict the effect of sequence changes on RNA splicing suggest that this variant may disrupt the consensus splice site. In summary, the currently available evidence indicates that the variant is pathogenic, but additional data are needed to prove that conclusively. Therefore, this variant has been classified as Likely Pathogenic.

Dubai Health Genomic Medicine Center, Dubai Health
Classification: Pathogenic. Last evaluated: 2022-12-17. Review status: criteria provided, single submitter. Criteria: ACMG Guidelines, 2015. Collection method: clinical testing. Allele origin: germline. Affected: yes.

Literature cited by the submitters: PubMed 16199547 (cited by Labcorp Genetics (formerly Invitae), Labcorp); PubMed 20232449 (cited by Labcorp Genetics (formerly Invitae), Labcorp); PubMed 23559409 (cited by Labcorp Genetics (formerly Invitae), Labcorp); PubMed 36703223 (cited by Labcorp Genetics (formerly Invitae), Labcorp).

NM_153704.6(TMEM67):c.223+1G>T

Gene: TMEM67 (transmembrane protein 67; plus strand). Cytogenetic location: 8q22.1.
Variant type: single nucleotide variant.
Coding change: c.223+1G>T on transcript NM_153704.6 (MANE Select); the canonical splice donor site of the intron after coding-DNA position 223, G replaced by T.
Molecular consequence: splice donor variant.
Genome position (GRCh38, 1-based): chr8:93,755,138, G>T. VCF-style: chr8-93755138-G-T. GRCh37 (hg19) VCF-style: chr8-94767366-G-T.
Other names: c.-62+1G>T (NM_001142301.1).
Identifiers: ClinVar variation 1810229 (VCV001810229.2), dbSNP rs2536753612, ClinGen allele CA371685512.
Genomic context (GRCh38, chr8:93,755,138, plus strand): 5'-TTGATATCTCCGCCCTCTCGTGTGTTCCTTGTGGAGCTAACCAGAGGCAAGATGCCCGAG[G>T]TAAGACGGTTTGCGGTGGGCCCTGGCAAAAGTAACACTCCCGCCTTGGTCGGCCCCTAGT-3'